The following is an entry in ClinVar:

NM_000321.3(RB1):c.443T>A (p.Met148Lys)

Gene: RB1 (RB transcriptional corepressor 1; plus strand). Cytogenetic location: 13q14.2.
Variant type: single nucleotide variant.
Coding change: c.443T>A on transcript NM_000321.3 (MANE Select); coding-DNA position 443, T replaced by A.
Protein change: p.Met148Lys; replaces methionine 148 with lysine.
Molecular consequence: missense variant.
Genome position (GRCh38, 1-based): chr13:48,345,142, T>A. VCF-style: chr13-48345142-T-A. GRCh37 (hg19) VCF-style: chr13-48919278-T-A.
Other names: c.443T>A, p.Met148Lys (NM_001407165.1, NM_001407166.1); short protein forms M148K.
Identifiers: ClinVar variation 3073333 (VCV003073333.1), dbSNP rs2138087520, ClinGen allele CA388252733.

ClinVar aggregate classification (germline): Uncertain significance (1 of 4 stars; one submission).

Conditions:
Retinoblastoma (RB1). Also called: RETINOBLASTOMA, SOMATIC. Identifiers: Orphanet 790, MedGen C0035335, MeSH D012175, MONDO:0008380, OMIM 180200, HP:0009919. Disease mechanism: loss of function. Inheritance: Both sporadic and heritable forms are tested..

Submission:

All of Us Research Program, National Institutes of Health
Classification: Uncertain significance for Retinoblastoma. Last evaluated: 2023-09-04. Review status: criteria provided, single submitter. Criteria: ACMG Guidelines, 2015. Collection method: clinical testing. Allele origin: germline. Inheritance: Autosomal dominant inheritance. Observed: 1 variant allele, 1 heterozygote.
Comment: This missense variant replaces methionine with lysine at codon 148 of the RB1 protein. Computational prediction suggests that this variant may not impact protein structure and function (internally defined REVEL score threshold <= 0.5, PMID: 27666373). To our knowledge, functional studies have not been reported for this variant. This variant has not been reported in individuals affected with RB1-related disorders in the literature. This variant has not been identified in the general population by the Genome Aggregation Database (gnomAD). The available evidence is insufficient to determine the role of this variant in disease conclusively. Therefore, this variant is classified as a Variant of Uncertain Significance.

This study involves interpretation of variants in research participants for the purpose of population health screening. Participant phenotype was not available at the time of variant classification. Additional details can be found in publication PMID: 35346344, PMCID: PMC8962531